The following is an entry in ClinVar:

NM_173477.5(USH1G):c.1082A>G (p.Asn361Ser)

Gene: USH1G (USH1 protein network component sans; minus strand). Cytogenetic location: 17q25.1.
Variant type: single nucleotide variant.
Coding change: c.1082A>G on transcript NM_173477.5 (MANE Select); coding-DNA position 1082, A replaced by G.
Protein change: p.Asn361Ser; replaces asparagine 361 with serine.
Molecular consequence: missense variant.
Genome position (GRCh38, 1-based): chr17:74,919,754, T>C on the plus strand (A>G on the coding strand, the complement: USH1G is on the minus strand). VCF-style: chr17-74919754-T-C. GRCh37 (hg19) VCF-style: chr17-72915849-T-C.
Other names: c.773A>G, p.Asn258Ser (NM_001282489.3); short protein forms N361S, N258S.
Identifiers: ClinVar variation 941288 (VCV000941288.6), dbSNP rs200613072, ClinGen allele CA8753934.

ClinVar aggregate classification (germline): Conflicting classifications of pathogenicity. Review status: criteria provided, conflicting classifications (1 of 4 stars). 2 submissions from 2 submitters: Uncertain significance (1); Likely benign (1). Last evaluated 2023-09-14.

Allele frequency attached by ClinVar (database versions not stated): gnomAD below 0.00001 and 0.00003; TOPMed 0.00001; gnomAD exomes 0.00005 and 0.00011.
gnomAD v4.1: 76 of 1,612,798 alleles (0.0047%); highest among the groups gnomAD compares: South Asian, 0.074%; no homozygotes.

Submissions (2):

Blueprint Genetics
Classification: Likely benign. Last evaluated: 2023-09-14. Review status: criteria provided, single submitter. Criteria: ACMG Guidelines, 2015. Collection method: clinical testing. Allele origin: germline.

Labcorp Genetics (formerly Invitae), Labcorp
Classification: Uncertain significance. Last evaluated: 2023-04-24. Review status: criteria provided, single submitter. Criteria: Invitae Variant Classification Sherloc (09022015). Collection method: clinical testing. Allele origin: germline.
Comment: In summary, the available evidence is currently insufficient to determine the role of this variant in disease. Therefore, it has been classified as a Variant of Uncertain Significance. Advanced modeling of protein sequence and biophysical properties (such as structural, functional, and spatial information, amino acid conservation, physicochemical variation, residue mobility, and thermodynamic stability) performed at Invitae indicates that this missense variant is not expected to disrupt USH1G protein function. ClinVar contains an entry for this variant (Variation ID: 941288). This variant has not been reported in the literature in individuals affected with USH1G-related conditions. This variant is present in population databases (rs200613072, gnomAD 0.08%). This sequence change replaces asparagine, which is neutral and polar, with serine, which is neutral and polar, at codon 361 of the USH1G protein (p.Asn361Ser).